The following is an entry in ClinVar:

ClinVar aggregate classification (germline): Benign/Likely benign. Review status: criteria provided, multiple submitters, no conflicts (2 of 4 stars). 4 submissions from 4 submitters: Benign (2); Likely benign (1). 1 of the submissions does not count toward it. Last evaluated 2026-01-15.

Conditions:
Developmental and epileptic encephalopathy, 42 (DEE42A). Also called: Epileptic encephalopathy, early infantile, 42; DEVELOPMENTAL AND EPILEPTIC ENCEPHALOPATHY 42A; EPILEPTIC ENCEPHALOPATHY, EARLY INFANTILE, 42A. Identifiers: MedGen C4310716, MONDO:0014917, OMIM 617106.
Episodic ataxia type 2 (EA2). Also called: ATAXIA, EPISODIC, WITH NYSTAGMUS; ATAXIA, FAMILIAL PAROXYSMAL; CEREBELLAR ATAXIA, PAROXYSMAL, ACETAZOLAMIDE-RESPONSIVE; CEREBELLOPATHY, HEREDITARY PAROXYSMAL; EPISODIC ATAXIA, NYSTAGMUS-ASSOCIATED; ACETAZOLAMIDE-RESPONSIVE HEREDITARY PAROXYSMAL CEREBELLAR ATAXIA. Identifiers: Orphanet 97, MedGen C1720416, MONDO:0007163, OMIM 108500.
CACNA1A-related disorder. Also called: CACNA1A-related condition.

Allele frequency attached by ClinVar (database versions not stated): gnomAD below 0.00001 and 0.00005; TOPMed 0.00001; gnomAD exomes 0.00012 and 0.00028; ExAC 0.00031; 1000 Genomes Project 0.00040; 1000 Genomes Project 30x 0.00047.
gnomAD v4.1: 164 of 1,512,320 alleles (0.011%); highest among the groups gnomAD compares: South Asian, 0.19%; 1 homozygote.

Submissions (4):

Labcorp Genetics (formerly Invitae), Labcorp
Classification: Benign for Developmental and epileptic encephalopathy, 42; Episodic ataxia type 2. Last evaluated: 2026-01-15. Review status: criteria provided, single submitter. Criteria: Invitae Variant Classification Sherloc (09022015). Collection method: clinical testing. Allele origin: germline.

Athena Diagnostics
Classification: Benign. Last evaluated: 2025-11-06. Review status: criteria provided, single submitter. Criteria: Athena Diagnostics Criteria. Collection method: clinical testing. Allele origin: unknown.
Comment: The frequency of this variant in the general population is higher than would generally be expected for pathogenic variants in this gene. Computational tools yielded predictions that this variant is unlikely to have an effect on normal RNA splicing. This nucleotide position exhibits low evolutionary conservation.

GeneDx
Classification: Likely benign. Last evaluated: 2017-02-03. Review status: criteria provided, single submitter. Criteria: GeneDx Variant Classification (06012015). Collection method: clinical testing. Allele origin: germline. Affected: yes.
Comment: This variant is considered likely benign or benign based on one or more of the following criteria: it is a conservative change, it occurs at a poorly conserved position in the protein, it is predicted to be benign by multiple in silico algorithms, and/or has population frequency not consistent with disease.

PreventionGenetics, part of Exact Sciences
Classification: Likely benign for CACNA1A-related condition. Last evaluated: 2021-10-18. Review status: no assertion criteria provided. Collection method: clinical testing. Allele origin: germline. Not counted in ClinVar's aggregate classification.
Comment: This variant is classified as likely benign based on ACMG/AMP sequence variant interpretation guidelines (Richards et al. 2015 PMID: 25741868, with internal and published modifications).

NM_001127222.2(CACNA1A):c.1668+7G>A

Gene: CACNA1A (calcium voltage-gated channel subunit alpha1 A; minus strand). Cytogenetic location: 19p13.13.
Variant type: single nucleotide variant.
Coding change: c.1668+7G>A on transcript NM_001127222.2 (MANE Select); 7 bases into the intron after coding-DNA position 1668, G replaced by A.
Molecular consequence: intron variant.
Genome position (GRCh38, 1-based): chr19:13,312,662, C>T on the plus strand (G>A on the coding strand, the complement: CACNA1A is on the minus strand). VCF-style: chr19-13312662-C-T. GRCh37 (hg19) VCF-style: chr19-13423476-C-T.
Other names: c.1668+7G>A (NM_001127222.1); c.1671+7G>A (NM_001127221.2, NM_001174080.2, NM_000068.4 and 1 more transcripts).
Identifiers: ClinVar variation 507278 (VCV000507278.14), dbSNP rs567507041, ClinGen allele CA9240769.
Genomic context (GRCh38, chr19:13,312,662, plus strand): 5'-GTGTCCAGGTATCTGTCATTCCAGGCAAGAGCTGGAGAAATGAACTCTTAGAAACAAGAG[C>T]ACTTACCCCACAGTCAAAGCAGTTGAAGGAAGAGTGGAAGTAAGGCCGCGTCCCAAGCCC-3'